The following is an entry in ClinVar:

NM_001113378.2(FANCI):c.349A>T (p.Arg117Ter)

Gene: FANCI (FA complementation group I; plus strand). Cytogenetic location: 15q26.1.
Variant type: single nucleotide variant.
Coding change: c.349A>T on transcript NM_001113378.2 (MANE Select); coding-DNA position 349, A replaced by T.
Protein change: p.Arg117Ter; replaces arginine 117 with a stop codon.
Molecular consequence: nonsense.
Genome position (GRCh38, 1-based): chr15:89,261,645, A>T. VCF-style: chr15-89261645-A-T. GRCh37 (hg19) VCF-style: chr15-89804876-A-T.
Other names: c.70A>T, p.Arg24Ter (NM_001376910.1); c.349A>T, p.Arg117Ter (NM_001376911.1, NM_018193.3); short protein forms R117*, R24*.
Identifiers: ClinVar variation 2073790 (VCV002073790.6), dbSNP rs548947826, ClinGen allele CA393738281.
Genomic context (GRCh38, chr15:89,261,645, plus strand): 5'-GCTCACCATTTTCCAGGACCATTATTGGTTGAATTAGCCAATGAGTTTATTAGTGCTGTC[A>T]GAGAAGGCAGCCTAGTGAATGGAAAATCTTTGGAGTTACTACCTATCATTCTCACTGCCC-3'

ClinVar aggregate classification (germline): Pathogenic/Likely pathogenic. Review status: criteria provided, multiple submitters, no conflicts (2 of 4 stars). 3 submissions from 3 submitters: Pathogenic (1); Likely pathogenic (2). Last evaluated 2023-01-24.

Conditions:
Fanconi anemia complementation group I (FANCI). Also called: FANCI-Related Fanconi Anemia. Identifiers: Orphanet 84, MedGen C1836861, MONDO:0012186, OMIM 609053.
FANCI-related disorders.
Fanconi anemia (FA). Also called: Fanconi's anemia. Identifiers: Orphanet 84, MedGen C0015625, MeSH D005199, MONDO:0019391.

Allele frequency attached by ClinVar (database versions not stated): TOPMed below 0.00001.
gnomAD v4.1: 1 of 1,614,002 alleles (0.000062%); highest among the groups gnomAD compares: Non-Finnish European, 0.000085%; no homozygotes.

Submissions (3):

Baylor Genetics
Classification: Likely pathogenic for Fanconi anemia complementation group I. Last evaluated: 2023-01-24. Review status: criteria provided, single submitter. Criteria: ACMG Guidelines, 2015. Collection method: clinical testing. Allele origin: unknown.

Labcorp Genetics (formerly Invitae), Labcorp
Classification: Pathogenic for Fanconi anemia. Last evaluated: 2023-01-01. Review status: criteria provided, single submitter. Criteria: Invitae Variant Classification Sherloc (09022015). Collection method: clinical testing. Allele origin: germline.
Comment: For these reasons, this variant has been classified as Pathogenic. This variant has not been reported in the literature in individuals affected with FANCI-related conditions. This variant is not present in population databases (gnomAD no frequency). This sequence change creates a premature translational stop signal (p.Arg117*) in the FANCI gene. It is expected to result in an absent or disrupted protein product. Loss-of-function variants in FANCI are known to be pathogenic (PMID: 17452773, 17460694).

Blueprint Genetics
Classification: Likely pathogenic for FANCI-related disorders. Last evaluated: 2020-12-03. Review status: criteria provided, single submitter. Criteria: ACMG Guidelines, 2015. Collection method: clinical testing. Allele origin: germline. Affected: yes. Observed: 1 variant allele.

Literature cited by the submitters: PubMed 17452773 (cited by Labcorp Genetics (formerly Invitae), Labcorp); PubMed 17460694 (cited by Labcorp Genetics (formerly Invitae), Labcorp).